The following is an entry in ClinVar:

NC_000021.9:g.(?_43413515)_(43428122_?)dup

Gene: SIK1 (salt inducible kinase 1; minus strand). Cytogenetic location: 21q22.3.
Variant type: Duplication.
Identifiers: ClinVar variation 832823 (VCV000832823.1).

ClinVar aggregate classification (germline): Uncertain significance (1 of 4 stars; one submission).

Conditions:
Developmental and epileptic encephalopathy, 30 (DEE30). Also called: Epileptic encephalopathy, early infantile, 30. Identifiers: MedGen C4225360, MONDO:0014595, OMIM 616341.

Submission:

Labcorp Genetics (formerly Invitae), Labcorp
Classification: Uncertain significance for Epileptic encephalopathy, early infantile, 30. Last evaluated: 2019-09-17. Review status: criteria provided, single submitter. Criteria: Invitae Variant Classification Sherloc (09022015). Collection method: clinical testing. Allele origin: germline.
Comment: This variant results in a copy number gain of the genomic region encompassing the full coding sequence of the SIK1 gene. The boundaries of this event are unknown as they extend beyond the assayed region for this gene and therefore may encompass additional genes. As the precise location of this event is unknown, it may be in tandem or it may be located elsewhere in the genome. This variant has not been reported in the literature in individuals with SIK1-related disease. Experimental studies and prediction algorithms are not available for this variant, and the functional significance a SIK1 whole-gene copy number gain is currently unknown. In summary, the available evidence is currently insufficient to determine the role of this variant in disease. Therefore, it has been classified as a Variant of Uncertain Significance.